The following is an entry in ClinVar:

ClinVar aggregate classification (germline): Conflicting classifications of pathogenicity. Review status: criteria provided, conflicting classifications (1 of 4 stars). 2 submissions from 2 submitters: Uncertain significance (1); Likely benign (1). Last evaluated 2024-09-05.

Conditions:
Polycystic kidney disease, adult type (PKD1). Also called: POLYCYSTIC KIDNEY DISEASE, ADULT, TYPE I; Polycystic Kidney Disease 1, Autosomal Dominant; Polycystic kidney disease 1; Polycystic kidney disease 1, severe; Polycystic Kidney, Autosomal Dominant; POLYCYSTIC KIDNEY DISEASE 1 WITH OR WITHOUT POLYCYSTIC LIVER DISEASE. Identifiers: MedGen C3149841, MONDO:0008263, OMIM 173900.

gnomAD v4.1: 431 of 1,609,128 alleles (0.027%); highest among the groups gnomAD compares: Middle Eastern, 0.045%; no homozygotes.

Submissions (2):

Blueprint Genetics
Classification: Likely benign. Last evaluated: 2024-09-05. Review status: criteria provided, single submitter. Criteria: ACMG Guidelines, 2015. Collection method: clinical testing. Allele origin: germline.

Juno Genomics, Hangzhou Juno Genomics, Inc
Classification: Uncertain significance for Polycystic kidney disease, adult type. Review status: criteria provided, single submitter. Criteria: ACMG Guidelines, 2015. Collection method: clinical testing. Allele origin: germline.
Comment: Absent from controls (or at extremely low frequency if recessive) in Genome Aggregation Database.;Multiple lines of computational evidence support a deleterious effect on the gene or gene product.

NM_001009944.3(PKD1):c.8791+12G>A

Gene: PKD1 (polycystin 1, transient receptor potential channel interacting; minus strand). Cytogenetic location: 16p13.3.
Variant type: single nucleotide variant.
Coding change: c.8791+12G>A on transcript NM_001009944.3 (MANE Select); 12 bases into the intron after coding-DNA position 8791, G replaced by A.
Molecular consequence: intron variant.
Genome position (GRCh38, 1-based): chr16:2,103,254, C>T on the plus strand (G>A on the coding strand, the complement: PKD1 is on the minus strand). VCF-style: chr16-2103254-C-T. GRCh37 (hg19) VCF-style: chr16-2153255-C-T.
Other names: c.8791+12G>A (NM_000296.4).
Identifiers: ClinVar variation 4927693 (VCV004927693.3).
Genomic context (GRCh38, chr16:2,103,254, plus strand): 5'-AGCCCTACGAGAAACGCCTTCCCCCCAAGAACAAGGCCAGGGGGCCGCGTGTGCCCCACC[C>T]GCTGCACGCACCGTCCAGCAGCGTATAGTTGAGCTGCAGATGCAGCCCGGCCGCAGGGTT-3'